The following is an entry in ClinVar:

ClinVar aggregate classification (germline): Uncertain significance (1 of 4 stars; one submission).

Submission:

Women's Health and Genetics/Laboratory Corporation of America, LabCorp
Classification: Uncertain significance. Last evaluated: 2026-01-29. Review status: criteria provided, single submitter. Criteria: LabCorp Variant Classification Summary - May 2015. Collection method: clinical testing. Allele origin: germline.
Comment: Variant summary: The variant involves the duplication of exons 1-9 in the CFTR gene. The exact breakpoint at the 5' end of this variant is unknown, therefore this duplication may extend upstream of the annotated region of this gene. It is predicted to duplicate a segment including the initiation codon, therefore its impact on the encoded protein is unknown. A presumed nomenclature of c.(?_-71)_(1209+1_1210-1)dup has been designated for the purposes of this classification. The variant was absent in 21694 control chromosomes. The available data on variant occurrences in the general population are insufficient to allow any conclusion about variant significance. c.(?_-71)_(1209+1_1210-1)dup has been observed in individual(s) affected with Cystic Fibrosis (internal data). These report(s) do not provide unequivocal conclusions about association of the variant with Cystic Fibrosis. To our knowledge, no experimental evidence demonstrating an impact on protein function has been reported. ClinVar contains an entry for this variant (Variation ID: 3245686). Based on the evidence outlined above, the variant was classified as uncertain significance.

NC_000007.13:g.(?_117120078)_(117182163_117188694)dup

Gene: CFTR (CF transmembrane conductance regulator; plus strand). Cytogenetic location: 7q31.2.
Variant type: Duplication.
Identifiers: ClinVar variation 4689099 (VCV004689099.1).